The following is an entry in ClinVar:

ClinVar aggregate classification (germline): Conflicting classifications of pathogenicity. Review status: criteria provided, conflicting classifications (1 of 4 stars). 2 submissions from 2 submitters: Likely pathogenic (1); Uncertain significance (1). Last evaluated 2026-09-04.

Conditions:
Intellectual developmental disorder, autosomal dominant 6, with or without seizures. Also called: Intellectual disability, autosomal dominant 6; GRIN2B-related developmental delay, intellectual disability and autism spectrum disorder. Identifiers: Orphanet 589547, MedGen C3151411, MONDO:0013509, OMIM 613970.
Developmental and epileptic encephalopathy, 27 (DEE27). Also called: Epileptic encephalopathy, early infantile, 27; GRIN2B-Related Neurodevelopmental Disorder. Identifiers: Orphanet 3451, MedGen C4015316, MONDO:0014505, OMIM 616139.
GRIN2B-related disorder. Also called: GRIN2B-related condition.

Allele frequency attached by ClinVar (database versions not stated): gnomAD exomes below 0.00001.

Submissions (2):

GeneDx
Classification: Likely pathogenic. Last evaluated: 2026-09-04. Review status: criteria provided, single submitter. Criteria: GeneDx Variant Classification Process June 2021. Collection method: clinical testing. Allele origin: germline.
Comment: Published functional studies demonstrate a gain of function effect on NMDA receptor activity (PMID: 37369021); Not observed at significant frequency in large population cohorts (gnomAD); In silico analysis suggests that this missense variant does not alter protein structure/function; This variant is associated with the following publications: (PMID: 37369021)

Labcorp Genetics (formerly Invitae), Labcorp
Classification: Uncertain significance for Developmental and epileptic encephalopathy, 27; Intellectual developmental disorder, autosomal dominant 6, with or without seizures. Last evaluated: 2021-09-01. Review status: criteria provided, single submitter. Criteria: Invitae Variant Classification Sherloc (09022015). Collection method: clinical testing. Allele origin: germline.

NM_000834.5(GRIN2B):c.466G>A (p.Val156Ile)

Gene: GRIN2B (glutamate ionotropic receptor NMDA type subunit 2B; minus strand). Cytogenetic location: 12p13.1.
Variant type: single nucleotide variant.
Coding change: c.466G>A on transcript NM_000834.5 (MANE Select); coding-DNA position 466, G replaced by A.
Protein change: p.Val156Ile; replaces valine 156 with isoleucine.
Molecular consequence: missense variant.
Genome position (GRCh38, 1-based): chr12:13,753,861, C>T on the plus strand (G>A on the coding strand, the complement: GRIN2B is on the minus strand). VCF-style: chr12-13753861-C-T. GRCh37 (hg19) VCF-style: chr12-13906795-C-T.
Other names: short protein forms V156I.
Identifiers: ClinVar variation 546534 (VCV000546534.10), dbSNP rs1555133189, ClinGen allele CA384054755.
Genomic context (GRCh38, chr12:13,753,861, plus strand): 5'-AATAGGTGGTGACGATAGAAAAGATGTACCAGTCATATTCTTCCATGATGTTGAGCATTA[C>T]GGAAGCTTGCTGTTCAATTGATGGGCCAAACTGGAAGAACATGGAGGATTCATCCTAGAA-3'
Protein context (NP_000825.2, residues 146-166): FGPSIEQQAS[Val156Ile]MLNIMEEYDW